The following is an entry in ClinVar:

ClinVar aggregate classification (germline): Conflicting classifications of pathogenicity. Review status: criteria provided, conflicting classifications (1 of 4 stars). 4 submissions from 4 submitters: Likely pathogenic (2); Uncertain significance (2). Last evaluated 2023-10-20.

Conditions:
Intellectual developmental disorder, X-linked, syndromic 33. Also called: X-linked intellectual disability-global development delay-facial dysmorphism-sacral caudal remnant syndrome; Intellectual disability, X-linked, syndromic 33. Identifiers: Orphanet 480907, MedGen C4225418, MONDO:0010500, OMIM 300966.

Submissions (4):

Women's Health and Genetics/Laboratory Corporation of America, LabCorp
Classification: Uncertain significance. Last evaluated: 2023-10-20. Review status: criteria provided, single submitter. Criteria: LabCorp Variant Classification Summary - May 2015. Collection method: clinical testing. Allele origin: germline.
Comment: Variant summary: TAF1 c.3648A>G alters a non-conserved nucleotide resulting in a synonymous change predicted to result in an alternate novel cryptic exonic 3' splice acceptor site and a frameshift change (p.Arg1228Ilefs*16). Several computational tools predict a significant impact on normal splicing: Three predict the variant creates a cryptic exonic splice 3' acceptor site. At least one publication reports experimental evidence that this variant affects mRNA splicing resulting in a 28bp deletion using blood as a specimen type (O'Rawe_2015). These findings are consistent with the computational predictions. However, both the normal and the deleted transcripts were observed in the affected individual. The variant was absent in 182734 control chromosomes. c.3708A>G has been reported in the literature as a maternally inherited variant in an individual affected with Mental Retardation, X-Linked (O'Rawe_2015). The following publication has been ascertained in the context of this evaluation (PMID: 26637982). One clinical diagnostic laboratory has submitted clinical-significance assessments for this variant to ClinVar after 2014 without evidence for independent evaluation and classified the variant as likely pathogenic. Based on the evidence outlined above, the variant was classified as VUS-possibly pathogenic.

GeneDx
Classification: Uncertain significance. Last evaluated: 2023-08-03. Review status: criteria provided, single submitter. Criteria: GeneDx Variant Classification Process June 2021. Collection method: clinical testing. Allele origin: germline. Affected: yes.
Comment: Not observed at significant frequency in large population cohorts (gnomAD); In silico analysis supports a deleterious effect on splicing; This variant is associated with the following publications: (PMID: 26637982)

Labcorp Genetics (formerly Invitae), Labcorp
Classification: Likely pathogenic. Last evaluated: 2023-06-19. Review status: criteria provided, single submitter. Criteria: Invitae Variant Classification Sherloc (09022015). Collection method: clinical testing. Allele origin: germline.
Comment: This sequence change affects codon 1236 of the TAF1 mRNA. It is a 'silent' change, meaning that it does not change the encoded amino acid sequence of the TAF1 protein. RNA analysis indicates that this variant induces altered splicing and may result in an absent or disrupted protein product. This variant is not present in population databases (gnomAD no frequency). This variant has been observed in individual(s) with TAF1-related intellectual disability with facial dysmorphism (PMID: 26637982). ClinVar contains an entry for this variant (Variation ID: 1700566). Studies have shown that this variant results in activation of a cryptic splice site and introduces a premature termination codon (PMID: 26637982). The resulting mRNA is expected to undergo nonsense-mediated decay. In summary, the currently available evidence indicates that the variant is pathogenic, but additional data are needed to prove that conclusively. Therefore, this variant has been classified as Likely Pathogenic.

Genome Medicine, Institute for Basic Research in Developmental Disabilities
Classification: Likely pathogenic for Intellectual developmental disorder, X-linked, syndromic 33. Last evaluated: 2022-08-08. Review status: criteria provided, single submitter. Criteria: O'Rawe JA et al. (Am J Hum Genet 2015). Collection method: clinical testing. Allele origin: maternal. Affected: yes. Observed: 1 variant allele.

Literature cited by the submitters: PubMed 26637982 (cited by Women's Health and Genetics/Laboratory Corporation of America, LabCorp and Labcorp Genetics (formerly Invitae), Labcorp).

NM_004606.5(TAF1):c.3648A>G (p.Gln1216=)

Gene: TAF1 (TATA-box binding protein associated factor 1; plus strand). Cytogenetic location: Xq13.1.
Variant type: single nucleotide variant.
Coding change: c.3648A>G on transcript NM_004606.5 (MANE Select); coding-DNA position 3648, A replaced by G.
Protein change: p.Gln1216=; no amino-acid change (glutamine 1216 retained).
Molecular consequence: synonymous variant. On other transcripts: non-coding transcript variant (9).
Genome position (GRCh38, 1-based): chrX:71,398,599, A>G. VCF-style: chrX-71398599-A-G. GRCh37 (hg19) VCF-style: chrX-70618449-A-G.
Other names: c.3648A>G, p.Gln1216= (NM_001286074.2); c.3585A>G, p.Gln1195= (NM_138923.4); c.3708A>G (NM_004606.3, NM_004606.4).
Identifiers: ClinVar variation 1700566 (VCV001700566.7), dbSNP rs2034990430, ClinGen allele CA516730505.